The following is an entry in ClinVar:

NM_001367871.1(FBRSL1):c.692-3C>T

Gene: FBRSL1 (fibrosin like 1; plus strand). Cytogenetic location: 12q24.33.
Variant type: single nucleotide variant.
Coding change: c.692-3C>T on transcript NM_001367871.1 (MANE Select); 3 bases into the intron before coding-DNA position 692, C replaced by T.
Molecular consequence: intron variant.
Genome position (GRCh38, 1-based): chr12:132,569,923, C>T. VCF-style: chr12-132569923-C-T. GRCh37 (hg19) VCF-style: chr12-133146509-C-T.
Other names: c.692-3C>T (NM_001382739.1, NM_001142641.2, NM_001382740.1).
Identifiers: ClinVar variation 3770999 (VCV003770999.13).
Genomic context (GRCh38, chr12:132,569,923, plus strand): 5'-GGGCCACAGGAGGGGCAGGGACGAGGCCCTGCTGGTCTGAACGCAGCCACCCTCTCTCTG[C>T]AGGCCCAGCGCTTGAGAAGTCGGAGGCCAAGGCCGGGCCGGTGCCCAAGGTGTCAGGCCT-3'

ClinVar aggregate classification (germline): Benign (1 of 4 stars; one submission).

gnomAD v4.1: 458 of 1,396,192 alleles (0.033%); highest among the groups gnomAD compares: African/African-American, 0.49%; 7 homozygotes.

Submission:

CeGaT Center for Human Genetics Tuebingen
Classification: Benign. Last evaluated: 2026-06-01. Review status: criteria provided, single submitter. Criteria: CeGaT Center For Human Genetics Tuebingen Variant Classification Criteria Version 2. Collection method: clinical testing. Allele origin: germline. Affected: yes. Observed: 2 variant alleles.
Comment: FBRSL1: BP4, BS1, BS2